The following is an entry in ClinVar:

ClinVar aggregate classification (germline): Likely pathogenic. Review status: criteria provided, multiple submitters, no conflicts (2 of 4 stars). 2 submissions from 2 submitters: Likely pathogenic (2). Last evaluated 2019-08-13.

Conditions:
Mitochondrial DNA depletion syndrome 6 (hepatocerebral type). Also called: Mitochondrial DNA depletion syndrome type 6; Navajo neurohepatopathy; NAVAJO NEUROPATHY. Identifiers: Orphanet 255229, MedGen C1850406, MONDO:0009747, OMIM 256810.

Submissions (2):

SIB Swiss Institute of Bioinformatics
Classification: Likely pathogenic for Mitochondrial DNA depletion syndrome 6 (hepatocerebral type). Last evaluated: 2019-08-13. Review status: criteria provided, single submitter. Criteria: ACMG Guidelines, 2015. Collection method: curation. Allele origin: unknown.
Comment: This variant is interpreted as a Likely pathogenic for Mitochondrial DNA depletion syndrome 6, autosomal recessive. The following ACMG Tag(s) were applied: PM2, PVS1-strong.

Wong Mito Lab, Molecular and Human Genetics, Baylor College of Medicine
Classification: Likely pathogenic for Mitochondrial DNA depletion syndrome 6. Last evaluated: 2017-12-01. Review status: criteria provided, single submitter. Criteria: ACMG Guidelines, 2015. Collection method: clinical testing. Allele origin: germline. Affected: yes.

Literature cited by the submitters: PubMed 29282788 (cited by SIB Swiss Institute of Bioinformatics).

NM_002437.5(MPV17):c.297T>A (p.Cys99Ter)

Gene: MPV17 (mitochondrial inner membrane protein MPV17; minus strand). Cytogenetic location: 2p23.3.
Variant type: single nucleotide variant.
Coding change: c.297T>A on transcript NM_002437.5 (MANE Select); coding-DNA position 297, T replaced by A.
Protein change: p.Cys99Ter; replaces cysteine 99 with a stop codon.
Molecular consequence: nonsense.
Genome position (GRCh38, 1-based): chr2:27,312,572, A>T on the plus strand (T>A on the coding strand, the complement: MPV17 is on the minus strand). VCF-style: chr2-27312572-A-T. GRCh37 (hg19) VCF-style: chr2-27535439-A-T.
Other names: short protein forms C99*.
Identifiers: ClinVar variation 522373 (VCV000522373.2), dbSNP rs1553383467, ClinGen allele CA346208235.
Genomic context (GRCh38, chr2:27,312,572, plus strand): 5'-GTTGTCCTGGGCTGACAGTCCATTAAGTGCCCCTACCAGTGGGAGAAAGCAGCCTAGAAA[A>T]CACGGGGCAAAGCCCCCCTAGGGAAGAGAAATTAAAGTCCTATGAGTGCTGAAATCCCCA-3'